The following is an entry in ClinVar:

ClinVar aggregate classification (germline): Likely pathogenic (1 of 4 stars; one submission).

Submission:

Labcorp Genetics (formerly Invitae), Labcorp
Classification: Likely pathogenic. Last evaluated: 2023-04-30. Review status: criteria provided, single submitter. Criteria: Invitae Variant Classification Sherloc (09022015). Collection method: clinical testing. Allele origin: germline.
Comment: This variant is not present in population databases (gnomAD no frequency). This sequence change affects an acceptor splice site in intron 41 of the COL11A2 gene. It is expected to disrupt RNA splicing. Variants that disrupt the donor or acceptor splice site typically lead to a loss of protein function (PMID: 16199547), and loss-of-function variants in COL11A2 are known to be pathogenic (PMID: 10677296, 21204229). This variant has not been reported in the literature in individuals affected with COL11A2-related conditions. In summary, the currently available evidence indicates that the variant is pathogenic, but additional data are needed to prove that conclusively. Therefore, this variant has been classified as Likely Pathogenic. Algorithms developed to predict the effect of sequence changes on RNA splicing suggest that this variant may disrupt the consensus splice site.

Literature cited by the submitters: PubMed 16199547; PubMed 10677296; PubMed 21204229.

NM_080680.3(COL11A2):c.3043-2A>T

Gene: COL11A2 (collagen type XI alpha 2 chain; minus strand). Cytogenetic location: 6p21.32.
Variant type: single nucleotide variant.
Coding change: c.3043-2A>T on transcript NM_080680.3 (MANE Select); the canonical splice acceptor site of the intron before coding-DNA position 3043, A replaced by T.
Molecular consequence: splice acceptor variant.
Genome position (GRCh38, 1-based): chr6:33,171,822, T>A on the plus strand (A>T on the coding strand, the complement: COL11A2 is on the minus strand). VCF-style: chr6-33171822-T-A. GRCh37 (hg19) VCF-style: chr6-33139599-T-A.
Other names: c.2017-2A>T (NM_001424111.1, NM_001424110.1); c.2722-2A>T (NM_080679.3); c.2785-2A>T (NM_080681.3); c.2863-2A>T (NM_001424108.1); c.2197-2A>T (NM_001424109.1); c.997-2A>T (NM_001424112.1).
Identifiers: ClinVar variation 2860745 (VCV002860745.3), dbSNP rs2534848742, ClinGen allele CA363636601.
Genomic context (GRCh38, chr6:33,171,822, plus strand): 5'-CGCCCTGGCGGACCAATGGGTCCCCCTGATCCTGCTGCACCTCGTTCCCCAGGGGAGCCC[T>A]GAGAAAGCAGATGGTCAGACCCCCAGGAAGGAGACACCAGCCCGCCCATACCAGAGAACC-3'